The following is an entry in ClinVar:

ClinVar aggregate classification (germline): Uncertain significance (1 of 4 stars; one submission).

Allele frequency attached by ClinVar (database versions not stated): gnomAD 0.00001; TOPMed 0.00001; gnomAD exomes 0.00002.
gnomAD v4.1: 24 of 1,613,622 alleles (0.0015%); highest among the groups gnomAD compares: Non-Finnish European, 0.0019%; no homozygotes.

Submission:

Labcorp Genetics (formerly Invitae), Labcorp
Classification: Uncertain significance. Last evaluated: 2024-04-15. Review status: criteria provided, single submitter. Criteria: Invitae Variant Classification Sherloc (09022015). Collection method: clinical testing. Allele origin: germline.
Comment: This sequence change falls in intron 21 of the FUK gene. It does not directly change the encoded amino acid sequence of the FUK protein. It affects a nucleotide within the consensus splice site. This variant is present in population databases (no rsID available, gnomAD 0.002%). This variant has not been reported in the literature in individuals affected with FUK-related conditions. ClinVar contains an entry for this variant (Variation ID: 1905760). Variants that disrupt the consensus splice site are a relatively common cause of aberrant splicing (PMID: 17576681, 9536098). Algorithms developed to predict the effect of sequence changes on RNA splicing suggest that this variant is not likely to affect RNA splicing. In summary, the available evidence is currently insufficient to determine the role of this variant in disease. Therefore, it has been classified as a Variant of Uncertain Significance.

Literature cited by the submitters: PubMed 17576681; PubMed 9536098.

NM_145059.3(FCSK):c.2829+4A>G

Gene: FCSK (fucose kinase; plus strand). Cytogenetic location: 16q22.1.
Variant type: single nucleotide variant.
Coding change: c.2829+4A>G on transcript NM_145059.3 (MANE Select); 4 bases into the intron after coding-DNA position 2829, A replaced by G.
Molecular consequence: intron variant.
Genome position (GRCh38, 1-based): chr16:70,478,463, A>G. VCF-style: chr16-70478463-A-G. GRCh37 (hg19) VCF-style: chr16-70512366-A-G.
Identifiers: ClinVar variation 1905760 (VCV001905760.5), dbSNP rs1382014835, ClinGen allele CA623577470.
Genomic context (GRCh38, chr16:70,478,463, plus strand): 5'-GACCACCTGCTCTTGGTGTACACTGGCAAGACCCGCCTGGCTCGGAACCTGCTGCAGGTG[A>G]GCTCTGGCCCCAGCATGAGGGAGGCAGGCAGGGGGCCTGCCAGCTGGGCCTGGGTCCTCA-3'